The following is an entry in ClinVar:

ClinVar aggregate classification (germline): Conflicting classifications of pathogenicity. Review status: criteria provided, conflicting classifications (1 of 4 stars). 5 submissions from 5 submitters: Uncertain significance (4); Likely benign (1). Last evaluated 2024-09-23.

Conditions:
Hereditary breast ovarian cancer syndrome. Also called: Hereditary breast and/or ovarian cancer syndrome; BRCA1- and BRCA2-Associated Hereditary Breast and Ovarian Cancer; Hereditary breast and ovarian cancer syndrome; Hereditary breast and ovarian cancer; Hereditary breast and ovarian cancer syndrome (HBOC); Breast and ovarian cancer. Identifiers: Orphanet 145, MedGen C0677776, MeSH D061325, MONDO:0003582. Disease mechanism: loss of function.
Breast-ovarian cancer, familial, susceptibility to, 1 (BROVCA1). Also called: BRCA1 Hereditary Breast and Ovarian Cancer; OVARIAN CANCER, SUSCEPTIBILITY TO. Identifiers: Orphanet 145, MedGen C2676676, MONDO:0011450, OMIM 604370. Disease mechanism: loss of function.
Hereditary cancer-predisposing syndrome. Also called: Tumor predisposition; Hereditary Cancer Syndrome; Hereditary neoplastic syndrome; Neoplastic Syndromes, Hereditary. Identifiers: Orphanet 140162, MedGen C0027672, MeSH D009386, MONDO:0015356.

Allele frequency attached by ClinVar (database versions not stated): gnomAD exomes below 0.00001.
gnomAD v4.1: 1 of 1,614,230 alleles (0.000062%); highest among the groups gnomAD compares: Non-Finnish European, 0.000085%; no homozygotes.

Submissions (5):

Ambry Genetics
Classification: Uncertain significance for Hereditary cancer-predisposing syndrome. Last evaluated: 2024-09-23. Review status: criteria provided, single submitter. Criteria: Ambry Variant Classification Scheme 2023. Collection method: clinical testing. Allele origin: germline.
Comment: The p.Q1273L variant (also known as c.3818A>T), located in coding exon 9 of the BRCA1 gene, results from an A to T substitution at nucleotide position 3818. The glutamine at codon 1273 is replaced by leucine, an amino acid with dissimilar properties. This amino acid position is conserved. In addition, the in silico prediction for this alteration is inconclusive. Based on the available evidence, the clinical significance of this variant remains unclear.

GeneDx
Classification: Uncertain significance. Last evaluated: 2024-02-25. Review status: criteria provided, single submitter. Criteria: GeneDx Variant Classification Process June 2021. Collection method: clinical testing. Allele origin: germline. Affected: yes.
Comment: Not observed at significant frequency in large population cohorts (gnomAD); In silico analysis supports that this missense variant does not alter protein structure/function; Has not been previously published as pathogenic or benign to our knowledge; Also known as 3937A>T

All of Us Research Program, National Institutes of Health
Classification: Uncertain significance for Breast-ovarian cancer, familial, susceptibility to, 1. Last evaluated: 2023-06-26. Review status: criteria provided, single submitter. Criteria: ACMG Guidelines, 2015. Collection method: clinical testing. Allele origin: germline. Inheritance: Autosomal dominant inheritance. Observed: 1 variant allele, 1 heterozygote.
Comment: This missense variant replaces glutamine with leucine at codon 1273 of the BRCA1 protein. Computational prediction is inconclusive regarding the impact of this variant on protein structure and function (internally defined REVEL score threshold 0.5 < inconclusive < 0.7, PMID: 27666373). To our knowledge, functional studies have not been reported for this variant. This variant has not been reported in individuals affected with BRCA1-related disorders in the literature. This variant has not been identified in the general population by the Genome Aggregation Database (gnomAD). The available evidence is insufficient to determine the role of this variant in disease conclusively. Therefore, this variant is classified as a Variant of Uncertain Significance.

This study involves interpretation of variants in research participants for the purpose of population health screening. Participant phenotype was not available at the time of variant classification. Additional details can be found in publication PMID: 35346344, PMCID: PMC8962531

University of Washington Department of Laboratory Medicine, University of Washington
Classification: Likely benign for Hereditary cancer-predisposing syndrome. Last evaluated: 2023-03-23. Review status: criteria provided, single submitter. Criteria: Dines et al. (Genet Med. 2020). Collection method: curation. Allele origin: germline.
Comment: Missense variant in a coldspot region where missense variants are very unlikely to be pathogenic (PMID:31911673).

BRCA1 coldspot (exon 11 using historical exon numbering). Reclassification based on statistical prior probability

Labcorp Genetics (formerly Invitae), Labcorp
Classification: Uncertain significance for Hereditary breast ovarian cancer syndrome. Last evaluated: 2019-04-14. Review status: criteria provided, single submitter. Criteria: Invitae Variant Classification Sherloc (09022015). Collection method: clinical testing. Allele origin: germline.
Comment: This sequence change replaces glutamine with leucine at codon 1273 of the BRCA1 protein (p.Gln1273Leu). The glutamine residue is moderately conserved and there is a moderate physicochemical difference between glutamine and leucine. This variant is not present in population databases (ExAC no frequency). This variant has not been reported in the literature in individuals with BRCA1-related conditions. Algorithms developed to predict the effect of missense changes on protein structure and function (SIFT, PolyPhen-2, Align-GVGD) all suggest that this variant is likely to be tolerated, but these predictions have not been confirmed by published functional studies and their clinical significance is uncertain. In summary, the available evidence is currently insufficient to determine the role of this variant in disease. Therefore, it has been classified as a Variant of Uncertain Significance.

NM_007294.4(BRCA1):c.3818A>T (p.Gln1273Leu)

Genes: BRCA1 (BRCA1 DNA repair associated; minus strand), LOC126862571 (BRD4-independent group 4 enhancer GRCh37_chr17:41243136-41244335; plus strand). Cytogenetic location: 17q21.31.
Variant type: single nucleotide variant.
Coding change: c.3818A>T on transcript NM_007294.4 (MANE Select); coding-DNA position 3818, A replaced by T.
Protein change: p.Gln1273Leu; replaces glutamine 1273 with leucine.
Molecular consequence: missense variant. On other transcripts: intron variant (135).
Genome position (GRCh38, 1-based): chr17:43,091,713, T>A on the plus strand (A>T on the coding strand, the complement: BRCA1 is on the minus strand). VCF-style: chr17-43091713-T-A. GRCh37 (hg19) VCF-style: chr17-41243730-T-A.
Other names: c.647-681A>T (NM_001408452.1, NM_001408457.1, NM_001408460.1 and 11 more transcripts); c.524-681A>T (NM_001408497.1, NM_001408496.1, NM_001408499.1 and 3 more transcripts); c.788-681A>T (NM_001407973.1, NM_001408403.1, NM_001407983.1 and 17 more transcripts); c.404-681A>T (NM_001408511.1); c.521-681A>T (NM_001408505.1, NM_001408504.1, NM_001408503.1); c.461-681A>T (NM_001408507.1, NM_001408506.1); c.545-681A>T (NM_001408495.1); c.662-681A>T (NM_001408448.1, NM_001408445.1, NM_001408432.1 and 6 more transcripts); and 41 more; short protein forms Q1226L, Q1273L, Q1146L, Q1161L, Q1185L, Q1232L, Q1247L, Q1272L.
Identifiers: ClinVar variation 842937 (VCV000842937.16), dbSNP rs431825400, ClinGen allele CA10594330.